The following is an entry in ClinVar:

NM_001363711.2(DUOX2):c.2960C>A (p.Ala987Asp)

Gene: DUOX2 (dual oxidase 2; minus strand). Cytogenetic location: 15q21.1.
Variant type: single nucleotide variant.
Coding change: c.2960C>A on transcript NM_001363711.2 (MANE Select); coding-DNA position 2960, C replaced by A.
Protein change: p.Ala987Asp; replaces alanine 987 with aspartic acid.
Molecular consequence: missense variant.
Genome position (GRCh38, 1-based): chr15:45,100,800, G>T on the plus strand (C>A on the coding strand, the complement: DUOX2 is on the minus strand). VCF-style: chr15-45100800-G-T. GRCh37 (hg19) VCF-style: chr15-45392998-G-T.
Other names: c.2960C>A, p.Ala987Asp (NM_014080.5); short protein forms A987D.
Identifiers: ClinVar variation 1933099 (VCV001933099.2), dbSNP rs778481365, ClinGen allele CA7538062.
Genomic context (GRCh38, chr15:45,100,800, plus strand): 5'-TTGGGAGACACTCACTTTTTGCCAAACCTCTTCTTCAGTCCAGGGCCTCCCAGCTCTGGG[G>T]CTTCTGGGGCAGGGGGCCCCAGTCCCTGGGGGTGGGAGCTGAGAAAAAGAAATGGGGCTG-3'
Protein context (NP_001350640.1, residues 977-997): PQGLGPPAPE[Ala987Asp]PELGGPGLKK

ClinVar aggregate classification (germline): Uncertain significance (1 of 4 stars; one submission).

Allele frequency attached by ClinVar (database versions not stated): ExAC 0.00001.
gnomAD v4.1: 4 of 1,613,920 alleles (0.00025%); highest among the groups gnomAD compares: African/African-American, 0.0053%; no homozygotes.

Submission:

Labcorp Genetics (formerly Invitae), Labcorp
Classification: Uncertain significance. Last evaluated: 2022-03-24. Review status: criteria provided, single submitter. Criteria: Invitae Variant Classification Sherloc (09022015). Collection method: clinical testing. Allele origin: germline.
Comment: This sequence change replaces alanine, which is neutral and non-polar, with aspartic acid, which is acidic and polar, at codon 987 of the DUOX2 protein (p.Ala987Asp). This variant is present in population databases (rs778481365, gnomAD 0.007%). This variant has not been reported in the literature in individuals affected with DUOX2-related conditions. Advanced modeling of protein sequence and biophysical properties (such as structural, functional, and spatial information, amino acid conservation, physicochemical variation, residue mobility, and thermodynamic stability) performed at Invitae indicates that this missense variant is not expected to disrupt DUOX2 protein function. Algorithms developed to predict the effect of sequence changes on RNA splicing suggest that this variant may create or strengthen a splice site. In summary, the available evidence is currently insufficient to determine the role of this variant in disease. Therefore, it has been classified as a Variant of Uncertain Significance.